The following is an entry in ClinVar:

ClinVar aggregate classification (germline): Pathogenic (1 of 4 stars; one submission).

Conditions:
Mitochondrial complex IV deficiency, nuclear type 17. Also called: Mitochondrial complex 4 deficiency, nuclear type 17. Identifiers: MedGen C5436718, MONDO:0033652, OMIM 619061.

Submission:

Department of Pathophysiology and Transplantation, University of Milan
Classification: Pathogenic for Mitochondrial complex IV deficiency, nuclear type 17. Last evaluated: 2023-09-27. Review status: criteria provided, single submitter. Criteria: ACMG Guidelines, 2015. Collection method: clinical testing, in vitro. Allele origin: germline, not applicable. Inheritance: Autosomal recessive inheritance. Affected: yes. Observed: 2 homozygotes. Clinical features observed: Autosomal recessive inheritance (HP:0000007), Cytochrome C oxidase-negative muscle fibers (HP:0003688), Bilateral ptosis (HP:0001488), Dysphagia (HP:0002015), Limb muscle weakness (HP:0003690). Functional consequence: effect on protein activity.
Comment: Neurological examination shows bilateral ptosis, muscle weakness, cramps and myalgia after exercise, peripheral neuropathy, mild dysarthria and dysphonia, cognitive impairment. Muscle biopsy had showed signs of mitochondrial dysfunction. Neurological examination showed ptosis and muscle weakness. Muscle biopsy displayed a diffuse reduction of COX activity staining and ragged-red fibers. Both sisters presented secondary amenorrhea. The variant was confirmed at cDNA level and biochemical analysis showed a detrimental effect on Respiratory Chain Complex IV (COX) activity and stability.

NM_001370595.2(COA8):c.170_173dup (p.Pro59fs)

Gene: COA8 (cytochrome c oxidase assembly factor 8; plus strand). Cytogenetic location: 14q32.33.
Variant type: Duplication.
Coding change: c.170_173dup on transcript NM_001370595.2 (MANE Select); coding-DNA positions 170 to 173, 4 bases duplicated (GACC; older notation c.170_173dupGACC).
Protein change: p.Pro59fs; shifts the reading frame from proline 59.
Molecular consequence: frameshift variant. On other transcripts: non-coding transcript variant (2).
Genome position (GRCh38, 1-based): chr14:103,571,669-103,571,672, GACC duplicated. VCF-style (leftmost placement, unchanged base first): chr14-103571668-G-GGACC. GRCh37 (hg19) VCF-style: chr14-104038005-G-GGACC.
Other names: c.170_173dup, p.Pro59fs (NM_001302653.2, NM_001302654.2); c.209_212dup, p.Pro72Thrfs (NM_032374.4); c.170_173dupGACC (NM_001370595.2); short protein forms P59fs.
Identifiers: ClinVar variation 2581720 (VCV002581720.3), dbSNP rs2507477807, ClinGen allele CA2582341772.
Genomic context (GRCh38, chr14:103,571,668, plus strand): 5'-TTTACTTTGTTAAAGGTCTCAAGATTCTGCCCTCCAAGAAAGTCTTGCCATGATTGGATA[G>GGACC]GACCCCCAGATAAATATTCAAACCTTCGACCTGTTCACTTTTACATACCTGAAAATGAAT-3'